The following is an entry in ClinVar:

ClinVar aggregate classification (germline): not provided (0 of 4 stars; one submission).

Allele frequency attached by ClinVar (database versions not stated): gnomAD exomes 0.00001 and 0.00004; ExAC 0.00004; ESP Exome Variant Server 0.00015; gnomAD 0.00015 and 0.00016; TOPMed 0.00025.
gnomAD v4.1: 41 of 1,609,676 alleles (0.0025%); highest among the groups gnomAD compares: African/African-American, 0.05%; no homozygotes.

Submission:

Human Evolutionary Genetics, Institut Pasteur
No classification provided. Review status: no classification provided. Collection method: not provided. Allele origin: germline.
ClinVar note: Converted during submission from untested to not provided.

NM_001384950.1(NLRC5):c.2477+34T>C

Gene: NLRC5 (NLR family CARD domain containing 5; plus strand). Cytogenetic location: 16q13.
Variant type: single nucleotide variant.
Coding change: c.2477+34T>C on transcript NM_001384950.1 (MANE Select); 34 bases into the intron after coding-DNA position 2477, T replaced by C.
Molecular consequence: intron variant.
Genome position (GRCh38, 1-based): chr16:57,031,497, T>C. VCF-style: chr16-57031497-T-C. GRCh37 (hg19) VCF-style: chr16-57065409-T-C.
Other names: c.2477+34T>C (NM_001384954.1, NM_001384953.1, NM_001384957.1 and 19 more transcripts); c.2393+34T>C (NM_001384960.1, NM_001384965.1); c.2306+34T>C (NM_001384972.1).
Identifiers: ClinVar variation 103162 (VCV000103162.2), dbSNP rs199475981, ClinGen allele CA230206.
Genomic context (GRCh38, chr16:57,031,497, plus strand): 5'-CACAGAGACAACTGCAGAGCTACAAAGGTAAGAAGCCAAGAGGCGGTGGGCCTGGGGCCA[T>C]CCTTAGAAGCAACTTGGGCTCAGGCAGTTGAGGGGAAAGGTGACCAAGAGACTAGGAAGA-3'